The following is an entry in ClinVar:

NM_021939.4(FKBP10):c.982C>T (p.Gln328Ter)

Gene: FKBP10 (FKBP prolyl isomerase 10; plus strand). Cytogenetic location: 17q21.2.
Variant type: single nucleotide variant.
Coding change: c.982C>T on transcript NM_021939.4 (MANE Select); coding-DNA position 982, C replaced by T.
Protein change: p.Gln328Ter; replaces glutamine 328 with a stop codon.
Molecular consequence: nonsense.
Genome position (GRCh38, 1-based): chr17:41,819,594, C>T. VCF-style: chr17-41819594-C-T. GRCh37 (hg19) VCF-style: chr17-39975846-C-T.
Other names: short protein forms Q328*.
Identifiers: ClinVar variation 4280713 (VCV004280713.1).
Genomic context (GRCh38, chr17:41,819,594, plus strand): 5'-TCCCGCAACCACACCTACAATACCTATATCGGGCAGGGTTACATCATCCCCGGGATGGAC[C>T]AGGGGCTGCAGGGTGCCTGCATGGGGGAACGCCGGAGAATTACCATCCCCCCGCACCTCG-3'

ClinVar aggregate classification (germline): Pathogenic (1 of 4 stars; one submission).

Conditions:
Osteogenesis imperfecta type III (OI3). Also called: Osteogenesis imperfecta type 3; OI type 3; Osteogenesis imperfecta, progressively deforming with normal sclerae; OI type III; Progressively Deforming Osteogenesis Imperfecta. Identifiers: Orphanet 216812, Orphanet 666, MedGen C0268362, MONDO:0009804, OMIM 259420.

Submission:

Laboratory of Genetic Skeletal Anomaly, Seoul National University Children's Hospital
Classification: Pathogenic for Osteogenesis imperfecta type III. Last evaluated: 2025-03-01. Review status: criteria provided, single submitter. Criteria: ACMG Guidelines, 2015. Collection method: research. Allele origin: germline. Affected: yes.
Comment: This variant is a novel variant not previously reported in the literature or population databases. It was classified based on available in silico predictions and absence from gnomAD.